The following is an entry in ClinVar:

ClinVar aggregate classification (germline): Likely benign. Review status: no assertion criteria provided (0 of 4 stars). 3 submissions from 3 submitters: Likely benign (3). Last evaluated 2019-06-26.

Conditions:
ASPH-related disorder. Also called: ASPH-related condition.

Allele frequency attached by ClinVar (database versions not stated): ExAC 0.00088; 1000 Genomes Project 0.00160; gnomAD exomes 0.00219; gnomAD 0.00320 and 0.00322.

Submissions (3):

PreventionGenetics, part of Exact Sciences
Classification: Likely benign for ASPH-related condition. Last evaluated: 2019-06-26. Review status: no assertion criteria provided. Collection method: clinical testing. Allele origin: germline.
Comment: This variant is classified as likely benign based on ACMG/AMP sequence variant interpretation guidelines (Richards et al. 2015 PMID: 25741868, with internal and published modifications).

Clinical Genetics DNA and cytogenetics Diagnostics Lab, Erasmus MC, Erasmus Medical Center
Classification: Likely benign. Review status: no assertion criteria provided. Collection method: clinical testing. Allele origin: germline. Affected: yes. Study: VKGL Data-share Consensus.

Clinical Genetics, Academic Medical Center
Classification: Likely benign. Review status: no assertion criteria provided. Collection method: clinical testing. Allele origin: germline. Affected: yes. Study: VKGL Data-share Consensus.

NM_004318.4(ASPH):c.322+12710_322+12711insGAC

Gene: ASPH (aspartate beta-hydroxylase; minus strand). Cytogenetic location: 8q12.3.
Variant type: Insertion.
Coding change: c.322+12710_322+12711insGAC on transcript NM_004318.4 (MANE Select); bases 12710 to 12711 of the intron after coding-DNA position 322, GAC inserted.
Molecular consequence: intron variant. On other transcripts: inframe indel (2).
Genome position: GRCh38 VCF-style: chr8-61668257-G-GGTC. GRCh37 (hg19) VCF-style: chr8-62580816-G-GGTC.
Other names: c.298_299insGAC, p.Ala100delinsGlyPro (NM_020164.5); c.253_254insGAC, p.Ala85delinsGlyPro (NM_032467.4); c.235+12710_235+12711insGAC (NM_001164750.2); c.322+12710_322+12711insGAC (NM_001164755.2, NM_001164754.2, NM_032466.4); c.280+12710_280+12711insGAC (NM_001164753.2, NM_001164752.2, NM_001164751.2 and 1 more transcripts); c.298_299insGAC (NM_020164.4).
Identifiers: ClinVar variation 1284779 (VCV001284779.5), dbSNP rs535549266, ClinGen allele CA4762377.
Genomic context (GRCh38, chr8:61,668,257, plus strand): 5'-TGATTCACTCAAGGCTAATTTGAAAAAATGAAAATACCTTTAGCCTTAGTTTTTCTCTTG[G>GGTC]CTACCCCACTGGGTCCTTCTGTTGACATTTACAAGATGAAAATAGGTTATAAACAGAAAA-3'